The following is an entry in ClinVar:

NM_000372.5(TYR):c.109C>T (p.Pro37Ser)

Gene: TYR (tyrosinase; plus strand). Cytogenetic location: 11q14.3.
Variant type: single nucleotide variant.
Coding change: c.109C>T on transcript NM_000372.5 (MANE Select); coding-DNA position 109, C replaced by T.
Protein change: p.Pro37Ser; replaces proline 37 with serine.
Molecular consequence: missense variant.
Genome position (GRCh38, 1-based): chr11:89,178,062, C>T. VCF-style: chr11-89178062-C-T. GRCh37 (hg19) VCF-style: chr11-88911230-C-T.
Other names: short protein forms P37S.
Identifiers: ClinVar variation 3906599 (VCV003906599.2).

ClinVar aggregate classification (germline): Uncertain significance. Review status: criteria provided, multiple submitters, no conflicts (2 of 4 stars). 2 submissions from 2 submitters: Uncertain significance (2). Last evaluated 2026-07-13.

Conditions:
TYR-related disorder. Also called: TYR-related condition.

gnomAD v4.1: 3 of 1,614,092 alleles (0.00019%); highest among the groups gnomAD compares: African/African-American, 0.004%; no homozygotes.

Submissions (2):

PreventionGenetics, part of Exact Sciences
Classification: Uncertain significance for TYR-related condition. Last evaluated: 2026-07-13. Review status: criteria provided, single submitter. Criteria: ACMG Guidelines, 2015. Collection method: clinical testing. Allele origin: germline.
Comment: The TYR c.109C>T variant is predicted to result in the amino acid substitution p.Pro37Ser. To our knowledge, this variant has not been reported in the literature. An alternate substitution of this amino acid residue (p.Pro37Leu) has been reported in the compound heterozygous state in an individual with albinism (Table S1, Summers et al. 2014. PubMed ID: 24641678). This missense variant is predicted to be moderately damaging to the encoded protein (REVEL score 0.770, Ioannidis et al. 2016. PubMed ID: 27666373). This variant is present in 0.018% of alleles in individuals of African descent in gnomAD. Although we suspect that this variant may be pathogenic, at this time, the clinical significance of this variant is uncertain due to the absence of conclusive functional and genetic evidence.

GeneDx
Classification: Uncertain significance. Last evaluated: 2024-12-15. Review status: criteria provided, single submitter. Criteria: GeneDx Variant Classification Process June 2021. Collection method: clinical testing. Allele origin: germline. Affected: yes.
Comment: In silico analysis supports that this missense variant has a deleterious effect on protein structure/function; Has not been previously published as pathogenic or benign to our knowledge